The following is an entry in ClinVar:

ClinVar aggregate classification (germline): Uncertain significance (1 of 4 stars; one submission).

Conditions:
Ullrich congenital muscular dystrophy 2 (UCMD2). Identifiers: Orphanet 75840, MedGen C4225314, MONDO:0014654, OMIM 616470.
Bethlem myopathy 2 (BTHLM2). Identifiers: Orphanet 536516, Orphanet 610, MedGen C4225313, MONDO:0034022, OMIM 616471.

Allele frequency attached by ClinVar (database versions not stated): TOPMed below 0.00001.

Submission:

Labcorp Genetics (formerly Invitae), Labcorp
Classification: Uncertain significance for Bethlem myopathy 2; Ullrich congenital muscular dystrophy 2. Last evaluated: 2024-02-24. Review status: criteria provided, single submitter. Criteria: Invitae Variant Classification Sherloc (09022015). Collection method: clinical testing. Allele origin: germline.
Comment: This sequence change replaces glycine, which is neutral and non-polar, with arginine, which is basic and polar, at codon 982 of the COL12A1 protein (p.Gly982Arg). This variant is not present in population databases (gnomAD no frequency). This variant has not been reported in the literature in individuals affected with COL12A1-related conditions. ClinVar contains an entry for this variant (Variation ID: 1914649). Advanced modeling of protein sequence and biophysical properties (such as structural, functional, and spatial information, amino acid conservation, physicochemical variation, residue mobility, and thermodynamic stability) performed at Invitae indicates that this missense variant is not expected to disrupt COL12A1 protein function with a negative predictive value of 80%. In summary, the available evidence is currently insufficient to determine the role of this variant in disease. Therefore, it has been classified as a Variant of Uncertain Significance.

NM_004370.6(COL12A1):c.2944G>A (p.Gly982Arg)

Gene: COL12A1 (collagen type XII alpha 1 chain; minus strand). Cytogenetic location: 6q13.
Variant type: single nucleotide variant.
Coding change: c.2944G>A on transcript NM_004370.6 (MANE Select); coding-DNA position 2944, G replaced by A.
Protein change: p.Gly982Arg; replaces glycine 982 with arginine.
Molecular consequence: missense variant. On other transcripts: intron variant (1).
Genome position (GRCh38, 1-based): chr6:75,165,546, C>T on the plus strand (G>A on the coding strand, the complement: COL12A1 is on the minus strand). VCF-style: chr6-75165546-C-T. GRCh37 (hg19) VCF-style: chr6-75875262-C-T.
Other names: c.74-13064G>A (NM_080645.3); short protein forms G982R.
Identifiers: ClinVar variation 1914649 (VCV001914649.5), dbSNP rs1768250822, ClinGen allele CA364757512.